The following is an entry in ClinVar:

NM_000179.3(MSH6):c.3802-40_3802-12del

Gene: MSH6 (mutS homolog 6; plus strand). Cytogenetic location: 2p16.3.
Variant type: Deletion.
Coding change: c.3802-40_3802-12del on transcript NM_000179.3 (MANE Select); 40 bases into the intron before coding-DNA position 3802 through 12 bases into the intron before coding-DNA position 3802, 29 bases deleted (CTTGCTAGCACATGTATCGCTAATATTTT).
Molecular consequence: intron variant.
Genome position (GRCh38, 1-based): chr2:47,806,412-47,806,440, CTTGCTAGCACATGTATCGCTAATATTTT deleted; deleting any 29 consecutive bases within chr2:47,806,411-47,806,440 gives the same sequence; the c. name uses the placement nearest the transcript's 3' end. VCF-style (leftmost placement, unchanged base first): chr2-47806410-CTCTTGCTAGCACATGTATCGCTAATATTT-C. GRCh37 (hg19) VCF-style: chr2-48033549-CTCTTGCTAGCACATGTATCGCTAATATTT-C.
Other names: c.2896-40_2896-12del (NM_001281493.2, NM_001281494.2); c.3412-40_3412-12del (NM_001281492.2).
Identifiers: ClinVar variation 1332480 (VCV001332480.2), dbSNP rs2104549153, ClinGen allele CA2573051974.

ClinVar aggregate classification (germline): Uncertain significance (1 of 4 stars; one submission).

Conditions:
Hereditary cancer-predisposing syndrome. Also called: Tumor predisposition; Hereditary Cancer Syndrome; Neoplastic Syndromes, Hereditary; Hereditary neoplastic syndrome. Identifiers: Orphanet 140162, MedGen C0027672, MeSH D009386, MONDO:0015356.

Submission:

Color Diagnostics, LLC DBA Color Health
Classification: Uncertain significance for Hereditary cancer-predisposing syndrome. Last evaluated: 2021-06-02. Review status: criteria provided, single submitter. Criteria: ACMG Guidelines, 2015. Collection method: clinical testing. Allele origin: germline.
Comment: This variant causes a deletion of 29 nucleotides between positions -40 and -12 in intron 8 of the MSH6 gene. To our knowledge, functional studies have not been reported for this variant. This variant has not been reported in individuals affected with hereditary cancer in the literature. This variant has not been identified in the general population by the Genome Aggregation Database (gnomAD). The available evidence is insufficient to determine the role of this variant in disease conclusively. Therefore, this variant is classified as a Variant of Uncertain Significance.